The following is an entry in ClinVar:

ClinVar aggregate classification (germline): Uncertain significance (1 of 4 stars; one submission).

Conditions:
Hereditary pancreatitis (PCTT). Also called: Hereditary chronic pancreatitis; PRSS1-Related Hereditary Pancreatitis. Identifiers: Orphanet 676, MedGen C0238339, MONDO:0008185, OMIM 167800.

Submission:

Ambry Genetics
Classification: Uncertain significance for Hereditary pancreatitis. Last evaluated: 2026-08-25. Review status: criteria provided, single submitter. Criteria: Ambry Variant Classification Scheme 2023. Collection method: clinical testing. Allele origin: germline.
Comment: The p.Y153S variant (also known as c.458A>C), located in coding exon 5 of the CTRC gene, results from an A to C substitution at nucleotide position 458. The tyrosine at codon 153 is replaced by serine, an amino acid with dissimilar properties. This amino acid position is conserved. In addition, this alteration is predicted to be tolerated by in silico analysis. Based on the available evidence, the clinical significance of this variant remains unclear.

NM_007272.3(CTRC):c.458A>C (p.Tyr153Ser)

Gene: CTRC (chymotrypsin C; plus strand). Cytogenetic location: 1p36.21.
Variant type: single nucleotide variant.
Coding change: c.458A>C on transcript NM_007272.3 (MANE Select); coding-DNA position 458, A replaced by C.
Protein change: p.Tyr153Ser; replaces tyrosine 153 with serine.
Molecular consequence: missense variant.
Genome position (GRCh38, 1-based): chr1:15,443,520, A>C. VCF-style: chr1-15443520-A-C. GRCh37 (hg19) VCF-style: chr1-15770015-A-C.
Other names: short protein forms Y153S.
Identifiers: ClinVar variation 5035060 (VCV005035060.1).